The following is an entry in ClinVar:

NM_001228.5(CASP8):c.-26-8076G>A

Genes: CASP8 (caspase 8; plus strand), LOC129935411 (ATAC-STARR-seq lymphoblastoid active region 16988; plus strand). Cytogenetic location: 2q33.1.
Variant type: single nucleotide variant.
Coding change: c.-26-8076G>A on transcript NM_001228.5; 8076 bases into the intron before 26 bases upstream of the start codon, G replaced by A.
Molecular consequence: intron variant.
Genome position (GRCh38, 1-based): chr2:201,258,385, G>A. VCF-style: chr2-201258385-G-A. GRCh37 (hg19) VCF-style: chr2-202123108-G-A.
Other names: c.-26-8076G>A (NM_001400651.1, NM_001400663.1, NM_001400648.1 and 2 more transcripts); c.1-8102G>A (NM_001400657.1, NM_001400660.1, NM_033355.4 and 1 more transcripts); c.-532-8102G>A (NM_001400677.1); c.-4-13131G>A (NM_001400669.1); c.-637-8076G>A (NM_001400680.1); c.151+3G>A (NM_001080125.2, NM_001400642.1, NM_001400665.1); c.-1+3G>A (NM_001400655.1, NM_001400662.1); c.-533+3G>A (NM_001400750.1, NM_001400751.1); and 3 more.
Identifiers: ClinVar variation 870948 (VCV000870948.40), dbSNP rs202238412, ClinGen allele CA2053416.

ClinVar aggregate classification (germline): Likely benign. Review status: criteria provided, multiple submitters, no conflicts (2 of 4 stars). 2 submissions from 2 submitters: Likely benign (2). Last evaluated 2024-10-14.

Allele frequency attached by ClinVar (database versions not stated): 1000 Genomes Project 30x 0.00016; ESP Exome Variant Server 0.00129; 1000 Genomes Project 0.00020; gnomAD 0.00075 and 0.00076; ExAC 0.00076; gnomAD exomes 0.00082 and 0.00124; TOPMed 0.00063.
gnomAD v4.1: 1,922 of 1,614,068 alleles (0.12%); highest among the groups gnomAD compares: Non-Finnish European, 0.14%; 2 homozygotes.

Submissions (2):

Blueprint Genetics
Classification: Likely benign. Last evaluated: 2024-10-14. Review status: criteria provided, single submitter. Criteria: ACMG Guidelines, 2015. Collection method: clinical testing. Allele origin: germline.

CeGaT Center for Human Genetics Tuebingen
Classification: Likely benign. Last evaluated: 2023-07-01. Review status: criteria provided, single submitter. Criteria: CeGaT Center For Human Genetics Tuebingen Variant Classification Criteria Version 2. Collection method: clinical testing. Allele origin: germline. Affected: yes. Observed: 2 variant alleles.
Comment: CASP8: BP4